The following is an entry in ClinVar:

NM_005263.5(GFI1):c.471C>G (p.Pro157=)

Gene: GFI1 (growth factor independent 1 transcriptional repressor; minus strand). Cytogenetic location: 1p22.1.
Variant type: single nucleotide variant.
Coding change: c.471C>G on transcript NM_005263.5 (MANE Select); coding-DNA position 471, C replaced by G.
Protein change: p.Pro157=; no amino-acid change (proline 157 retained).
Molecular consequence: synonymous variant.
Genome position (GRCh38, 1-based): chr1:92,480,916, G>C on the plus strand (C>G on the coding strand, the complement: GFI1 is on the minus strand). VCF-style: chr1-92480916-G-C. GRCh37 (hg19) VCF-style: chr1-92946473-G-C.
Other names: c.471C>G, p.Pro157= (NM_001127215.3, NM_001127216.3).
Identifiers: ClinVar variation 3054604 (VCV003054604.3), dbSNP rs756576357, ClinGen allele CA419067869.

ClinVar aggregate classification (germline): Likely benign. Review status: criteria provided, single submitter (1 of 4 stars). 2 submissions from 2 submitters: Likely benign (1). 1 of the submissions does not count toward it. Last evaluated 2025-08-20.

Conditions:
GFI1-related disorder. Also called: GFI1-related condition.

Submissions (2):

Ambry Genetics
Classification: Likely benign. Last evaluated: 2025-08-20. Review status: criteria provided, single submitter. Criteria: Ambry Variant Classification Scheme 2023. Collection method: clinical testing. Allele origin: germline.

PreventionGenetics, part of Exact Sciences
Classification: Likely benign for GFI1-related condition. Last evaluated: 2020-07-14. Review status: no assertion criteria provided. Collection method: clinical testing. Allele origin: germline. Not counted in ClinVar's aggregate classification.
Comment: This variant is classified as likely benign based on ACMG/AMP sequence variant interpretation guidelines (Richards et al. 2015 PMID: 25741868, with internal and published modifications).